The following is an entry in ClinVar:

NM_012330.4(KAT6B):c.4669G>A (p.Asp1557Asn)

Gene: KAT6B (lysine acetyltransferase 6B; plus strand). Cytogenetic location: 10q22.2.
Variant type: single nucleotide variant.
Coding change: c.4669G>A on transcript NM_012330.4 (MANE Select); coding-DNA position 4669, G replaced by A.
Protein change: p.Asp1557Asn; replaces aspartic acid 1557 with asparagine.
Molecular consequence: missense variant.
Genome position (GRCh38, 1-based): chr10:75,029,493, G>A. VCF-style: chr10-75029493-G-A. GRCh37 (hg19) VCF-style: chr10-76789251-G-A.
Other names: c.4120G>A, p.Asp1374Asn (NM_001256468.2, NM_001370138.1); c.3793G>A, p.Asp1265Asn (NM_001256469.2, NM_001370139.1, NM_001370140.1 and 2 more transcripts); c.3631G>A, p.Asp1211Asn (NM_001370132.1); c.2980G>A, p.Asp994Asn (NM_001370133.1); c.2584G>A, p.Asp862Asn (NM_001370134.1); c.2326G>A, p.Asp776Asn (NM_001370135.1); c.4669G>A, p.Asp1557Asn (NM_001370136.1, NM_001370137.1); c.3604G>A, p.Asp1202Asn (NM_001370143.1, NM_001370144.1); short protein forms D1265N, D862N, D1374N, D994N, D1557N, D1202N, D1211N, D776N.
Identifiers: ClinVar variation 2028273 (VCV002028273.5), dbSNP rs772986982, ClinGen allele CA5565078.

ClinVar aggregate classification (germline): Uncertain significance. Review status: criteria provided, multiple submitters, no conflicts (2 of 4 stars). 2 submissions from 2 submitters: Uncertain significance (2). Last evaluated 2025-09-06.

Conditions:
Genitopatellar syndrome (GTPTS). Also called: ABSENT PATELLAE, SCROTAL HYPOPLASIA, RENAL ANOMALIES, FACIAL DYSMORPHISM, AND MENTAL RETARDATION; Genitopatellar syndrome (GPS). Identifiers: Orphanet 85201, MedGen C1853566, MONDO:0011640, OMIM 606170.
Blepharophimosis - intellectual disability syndrome, SBBYS type (SBBYSS). Also called: Say-Barber-Biesecker-Young-Simpson variant of Ohdo Syndrome; Say-Barber-Biesecker Variant of Ohdo Syndrome; Ohdo syndrome, SBBYS variant; Say-Barber-Biesecker-Young-Simpson syndrome; Young Simpson syndrome; Mental retardation unusual facies hypothyroidism. Identifiers: Orphanet 3047, MedGen C1863557, MONDO:0011365, OMIM 603736.

Allele frequency attached by ClinVar (database versions not stated): TOPMed below 0.00001; ExAC 0.00001; gnomAD 0.00001; gnomAD exomes 0.00001.
gnomAD v4.1: 10 of 1,614,024 alleles (0.00062%); highest among the groups gnomAD compares: African/African-American, 0.0027%; no homozygotes.

Submissions (2):

Labcorp Genetics (formerly Invitae), Labcorp
Classification: Uncertain significance for Genitopatellar syndrome. Last evaluated: 2025-09-06. Review status: criteria provided, single submitter. Criteria: Invitae Variant Classification Sherloc (09022015). Collection method: clinical testing. Allele origin: germline.
Comment: This sequence change replaces aspartic acid, which is acidic and polar, with asparagine, which is neutral and polar, at codon 1557 of the KAT6B protein (p.Asp1557Asn). This variant is present in population databases (rs772986982, gnomAD 0.004%). This variant has not been reported in the literature in individuals affected with KAT6B-related conditions. ClinVar contains an entry for this variant (Variation ID: 2028273). Invitae Evidence Modeling of protein sequence and biophysical properties (such as structural, functional, and spatial information, amino acid conservation, physicochemical variation, residue mobility, and thermodynamic stability) indicates that this missense variant is not expected to disrupt KAT6B protein function with a negative predictive value of 80%. In summary, the available evidence is currently insufficient to determine the role of this variant in disease. Therefore, it has been classified as a Variant of Uncertain Significance.

Fulgent Genetics
Classification: Uncertain significance for Blepharophimosis - intellectual disability syndrome, SBBYS type; Genitopatellar syndrome. Last evaluated: 2024-04-08. Review status: criteria provided, single submitter. Criteria: ACMG Guidelines, 2015. Collection method: clinical testing. Allele origin: germline.